The following is an entry in ClinVar:

NM_138477.4(CDAN1):c.2080C>T (p.Pro694Ser)

Gene: CDAN1 (codanin 1; minus strand). Cytogenetic location: 15q15.2.
Variant type: single nucleotide variant.
Coding change: c.2080C>T on transcript NM_138477.4 (MANE Select); coding-DNA position 2080, C replaced by T.
Protein change: p.Pro694Ser; replaces proline 694 with serine.
Molecular consequence: missense variant.
Genome position (GRCh38, 1-based): chr15:42,730,692, G>A on the plus strand (C>T on the coding strand, the complement: CDAN1 is on the minus strand). VCF-style: chr15-42730692-G-A. GRCh37 (hg19) VCF-style: chr15-43022890-G-A.
Other names: short protein forms P694S.
Identifiers: ClinVar variation 887076 (VCV000887076.5), dbSNP rs2061599288, ClinGen allele CA392042485.
Genomic context (GRCh38, chr15:42,730,692, plus strand): 5'-GGTAATATTCCAGCAAGGGAACAACATGGTCAGCAAAGGAGAGAAACTCCACCAGCCAGG[G>A]CACGGTGAGCACCGCCCGGCGGGCCTGCAGCCCTCGCTGCAGCAGAGTCCGCACATCCAG-3'
Protein context (NP_612486.2, residues 684-704): LQARRAVLTV[Pro694Ser]WLVEFLSFAD

ClinVar aggregate classification (germline): Uncertain significance. Review status: criteria provided, multiple submitters, no conflicts (2 of 4 stars). 2 submissions from 2 submitters: Uncertain significance (2). Last evaluated 2025-05-22.

Conditions:
Congenital dyserythropoietic anemia, type I. Also called: Dyserythropoietic anemia, congenital type 1. Identifiers: Orphanet 98869, MedGen C0271933, MONDO:0020337. Disease mechanism: loss of function.
Anemia, congenital dyserythropoietic, type 1a (CDAN1A). Also called: CDAN1-Related Congenital Dyserythropoietic Anemia; DYSERYTHROPOIETIC ANEMIA, CONGENITAL, TYPE Ia. Identifiers: MedGen C5574667, MONDO:0009135, OMIM 224120.

Allele frequency attached by ClinVar (database versions not stated): gnomAD exomes below 0.00001.
gnomAD v4.1: 3 of 1,613,892 alleles (0.00019%); highest among the groups gnomAD compares: Non-Finnish European, 0.00025%; no homozygotes.

Submissions (2):

ARUP Laboratories, Molecular Genetics and Genomics, ARUP Laboratories
Classification: Uncertain significance for Anemia, congenital dyserythropoietic, type 1a. Last evaluated: 2025-05-22. Review status: criteria provided, single submitter. Criteria: ARUP Molecular Germline Variant Investigation Process 2024. Collection method: clinical testing. Allele origin: germline.
Comment: The CDAN1 c.2080C>T; p.Pro694Ser variant (rs2061599288), to our knowledge, is not reported in the medical literature but is reported in ClinVar (Variation ID: 887076). This variant is also absent from the Genome Aggregation Database (v2.1.1), indicating it is not a common polymorphism. Computational analyses predict that this variant is deleterious (REVEL: 0.967). However, given the lack of clinical and functional data, the significance of this variant is uncertain at this time.

Illumina Laboratory Services, Illumina
Classification: Uncertain significance for Anemia, congenital dyserythropoietic, type 1a. Last evaluated: 2018-01-12. Review status: criteria provided, single submitter. Criteria: ICSL Variant Classification Criteria 13 December 2019. Collection method: clinical testing. Allele origin: germline.